The following is an entry in ClinVar:

ClinVar aggregate classification (germline): Uncertain significance (1 of 4 stars; one submission).

Conditions:
5-Oxoprolinase deficiency (OPLAHD). Also called: 5-OXOPROLINURIA DUE TO 5-OXOPROLINASE DEFICIENCY. Identifiers: Orphanet 33572, MedGen C0268525, MONDO:0009825, OMIM 260005, HP:0040142.

Submission:

Labcorp Genetics (formerly Invitae), Labcorp
Classification: Uncertain significance for 5-Oxoprolinase deficiency. Last evaluated: 2022-07-12. Review status: criteria provided, single submitter. Criteria: Invitae Variant Classification Sherloc (09022015). Collection method: clinical testing. Allele origin: germline.
Comment: In summary, the available evidence is currently insufficient to determine the role of this variant in disease. Therefore, it has been classified as a Variant of Uncertain Significance. Algorithms developed to predict the effect of sequence changes on RNA splicing suggest that this variant may create or strengthen a splice site. This variant has not been reported in the literature in individuals affected with OPLAH-related conditions. This variant is not present in population databases (gnomAD no frequency). This sequence change affects codon 509 of the OPLAH mRNA. It is a 'silent' change, meaning that it does not change the encoded amino acid sequence of the OPLAH protein.

NM_017570.5(OPLAH):c.1527C>T (p.His509=)

Gene: OPLAH (5-oxoprolinase, ATP-hydrolysing; minus strand). Cytogenetic location: 8q24.3.
Variant type: single nucleotide variant.
Coding change: c.1527C>T on transcript NM_017570.5 (MANE Select); coding-DNA position 1527, C replaced by T.
Protein change: p.His509=; no amino-acid change (histidine 509 retained).
Molecular consequence: synonymous variant.
Genome position (GRCh38, 1-based): chr8:144,057,216, G>A on the plus strand (C>T on the coding strand, the complement: OPLAH is on the minus strand). VCF-style: chr8-144057216-G-A. GRCh37 (hg19) VCF-style: chr8-145112119-G-A.
Identifiers: ClinVar variation 2004112 (VCV002004112.4), dbSNP rs2540264203, ClinGen allele CA463539688.
Genomic context (GRCh38, chr8:144,057,216, plus strand): 5'-CCCAAGCCCGGCGCAGATCACACCACCTCCGTGCACCCACACCCAGGCCCACCTGTGGAT[G>A]TGCACCGTGTCCATGCCCAGGGCCCGGGCGATGGCACATGCATGCTGCCCACCAGCTCCC-3'
Protein context (NP_060040.1, residues 499-519): IARALGMDTV[His509=]IHRHSGLLSA